The following is an entry in ClinVar:

ClinVar aggregate classification (germline): Uncertain significance (1 of 4 stars; one submission).

Allele frequency attached by ClinVar (database versions not stated): TOPMed below 0.00001; ExAC 0.00001; gnomAD 0.00001.
gnomAD v4.1: 12 of 1,613,578 alleles (0.00074%); highest among the groups gnomAD compares: Non-Finnish European, 0.00093%; no homozygotes.

Submission:

Labcorp Genetics (formerly Invitae), Labcorp
Classification: Uncertain significance. Last evaluated: 2024-10-24. Review status: criteria provided, single submitter. Criteria: Invitae Variant Classification Sherloc (09022015). Collection method: clinical testing. Allele origin: germline.
Comment: This sequence change replaces proline, which is neutral and non-polar, with serine, which is neutral and polar, at codon 22 of the DNAAF4 protein (p.Pro22Ser). This variant is present in population databases (rs766403373, gnomAD 0.004%). This variant has not been reported in the literature in individuals affected with DNAAF4-related conditions. ClinVar contains an entry for this variant (Variation ID: 2173505). Invitae Evidence Modeling of protein sequence and biophysical properties (such as structural, functional, and spatial information, amino acid conservation, physicochemical variation, residue mobility, and thermodynamic stability) has been performed for this missense variant. However, the output from this modeling did not meet the statistical confidence thresholds required to predict the impact of this variant on DNAAF4 protein function. In summary, the available evidence is currently insufficient to determine the role of this variant in disease. Therefore, it has been classified as a Variant of Uncertain Significance.

NM_130810.4(DNAAF4):c.64C>T (p.Pro22Ser)

Genes: DNAAF4 (dynein axonemal assembly factor 4; minus strand), DNAAF4-CCPG1 (DNAAF4-CCPG1 readthrough (NMD candidate); minus strand). Cytogenetic location: 15q21.3.
Variant type: single nucleotide variant.
Coding change: c.64C>T on transcript NM_130810.4 (MANE Select); coding-DNA position 64, C replaced by T.
Protein change: p.Pro22Ser; replaces proline 22 with serine.
Molecular consequence: missense variant. On other transcripts: non-coding transcript variant (1).
Genome position (GRCh38, 1-based): chr15:55,498,266, G>A on the plus strand (C>T on the coding strand, the complement: DNAAF4 is on the minus strand). VCF-style: chr15-55498266-G-A. GRCh37 (hg19) VCF-style: chr15-55790464-G-A.
Other names: c.64C>T, p.Pro22Ser (NM_001033559.3, NM_001033560.2); short protein forms P22S.
Identifiers: ClinVar variation 2173505 (VCV002173505.3), dbSNP rs766403373, ClinGen allele CA7575165.
Genomic context (GRCh38, chr15:55,498,266, plus strand): 5'-CCTTCAGATAGTTTTCCGTGCAGAACACGTCCGTGTCTCTGACGCACACGCCTTTGAGGG[G>A]CAGAGACAGAAAGACCGCAGTCTTCGTCTGCTGCCAGCTGTAATCGCTAACCTGAAGAGG-3'
Protein context (NP_570722.2, residues 12-32): QTKTAVFLSL[Pro22Ser]LKGVCVRDTD